The following is an entry in ClinVar:

ClinVar aggregate classification (germline): Uncertain significance (1 of 4 stars; one submission).

Submission:

Labcorp Genetics (formerly Invitae), Labcorp
Classification: Uncertain significance. Last evaluated: 2024-10-08. Review status: criteria provided, single submitter. Criteria: Invitae Variant Classification Sherloc (09022015). Collection method: clinical testing. Allele origin: germline.
Comment: This sequence change replaces alanine, which is neutral and non-polar, with proline, which is neutral and non-polar, at codon 612 of the PROM1 protein (p.Ala612Pro). This variant is not present in population databases (gnomAD no frequency). This variant has not been reported in the literature in individuals affected with PROM1-related conditions. ClinVar contains an entry for this variant (Variation ID: 1063265). Invitae Evidence Modeling of protein sequence and biophysical properties (such as structural, functional, and spatial information, amino acid conservation, physicochemical variation, residue mobility, and thermodynamic stability) indicates that this missense variant is not expected to disrupt PROM1 protein function with a negative predictive value of 80%. In summary, the available evidence is currently insufficient to determine the role of this variant in disease. Therefore, it has been classified as a Variant of Uncertain Significance.

NM_006017.3(PROM1):c.1834G>C (p.Ala612Pro)

Gene: PROM1 (prominin 1; minus strand). Cytogenetic location: 4p15.32.
Variant type: single nucleotide variant.
Coding change: c.1834G>C on transcript NM_006017.3 (MANE Select); coding-DNA position 1834, G replaced by C.
Protein change: p.Ala612Pro; replaces alanine 612 with proline.
Molecular consequence: missense variant.
Genome position (GRCh38, 1-based): chr4:15,992,325, C>G on the plus strand (G>C on the coding strand, the complement: PROM1 is on the minus strand). VCF-style: chr4-15992325-C-G. GRCh37 (hg19) VCF-style: chr4-15993948-C-G.
Other names: c.1807G>C, p.Ala603Pro (NM_001145847.2, NM_001145848.2, NM_001145851.2 and 4 more transcripts); c.1834G>C, p.Ala612Pro (NM_001145849.2, NM_001145850.2); short protein forms A603P, A612P.
Identifiers: ClinVar variation 1063265 (VCV001063265.9), dbSNP rs771046422, ClinGen allele CA356430924.